The following is an entry in ClinVar:

ClinVar aggregate classification (germline): Pathogenic. Review status: criteria provided, multiple submitters, no conflicts (2 of 4 stars). 2 submissions from 2 submitters: Pathogenic (2). Last evaluated 2024-05-08.

Conditions:
Granulomatous disease, chronic, autosomal recessive, cytochrome b-negative. Also called: CYBA DEFICIENCY; CGD DUE TO DEFICIENCY OF THE ALPHA SUBUNIT OF CYTOCHROME b; CGD, AUTOSOMAL RECESSIVE CYTOCHROME b-NEGATIVE; GRANULOMATOUS DISEASE, CHRONIC, AUTOSOMAL RECESSIVE, 4; Chronic granulomatous disease, autosomal, due to deficiency of CYBA. Identifiers: Orphanet 379, MedGen C1856255, MONDO:0009308, OMIM 233690.

Submissions (2):

Myriad Genetics, Inc.
Classification: Pathogenic for Granulomatous disease, chronic, autosomal recessive, cytochrome b-negative. Last evaluated: 2024-05-08. Review status: criteria provided, single submitter. Criteria: Myriad Autosomal Dominant, Autosomal Recessive and X-Linked Classification Criteria (2023). Collection method: clinical testing. Allele origin: unknown.
Comment: NM_000101.3(CYBA):c.21delC(M8Cfs*12) is expected to be pathogenic in the context of chronic granulomatous disease, CYBA-related. This variant is predicted to lead to an abnormal or absent protein product due to the creation of a premature termination codon in CYBA, a gene where loss-of-function variants are known to be pathogenic. Please note: this variant was assessed in the context of healthy population screening.

Labcorp Genetics (formerly Invitae), Labcorp
Classification: Pathogenic for Granulomatous disease, chronic, autosomal recessive, cytochrome b-negative. Last evaluated: 2024-01-26. Review status: criteria provided, single submitter. Criteria: Invitae Variant Classification Sherloc (09022015). Collection method: clinical testing. Allele origin: germline.
Comment: This sequence change creates a premature translational stop signal (p.Met8Cysfs*12) in the CYBA gene. It is expected to result in an absent or disrupted protein product. Loss-of-function variants in CYBA are known to be pathogenic (PMID: 10910929, 20167518, 22876374). This variant is not present in population databases (gnomAD no frequency). This variant has not been reported in the literature in individuals affected with CYBA-related conditions. ClinVar contains an entry for this variant (Variation ID: 650083). For these reasons, this variant has been classified as Pathogenic.

Literature cited by the submitters: PubMed 10910929 (cited by Labcorp Genetics (formerly Invitae), Labcorp); PubMed 20167518 (cited by Labcorp Genetics (formerly Invitae), Labcorp); PubMed 22876374 (cited by Labcorp Genetics (formerly Invitae), Labcorp).

NM_000101.4(CYBA):c.21del (p.Met8fs)

Gene: CYBA (cytochrome b-245 alpha chain; minus strand). Cytogenetic location: 16q24.2.
Variant type: Deletion.
Coding change: c.21del on transcript NM_000101.4 (MANE Select); coding-DNA position 21, one base deleted (C; older notation c.21delC).
Protein change: p.Met8fs; shifts the reading frame from methionine 8.
Molecular consequence: frameshift variant.
Genome position (GRCh38, 1-based): chr16:88,650,993, G deleted on the plus strand (C on the coding strand, the reverse complement: CYBA is on the minus strand); the first of 2 consecutive G bases (chr16:88,650,993-88,650,994); deleting either gives the same sequence. VCF-style (leftmost placement, unchanged base first): chr16-88650992-TG-T. GRCh37 (hg19) VCF-style: chr16-88717400-TG-T.
Other names: short protein forms M8fs.
Identifiers: ClinVar variation 650083 (VCV000650083.8), dbSNP rs1597374562, ClinGen allele CA915949382.